The following is an entry in ClinVar:

NM_138694.4(PKHD1):c.5599A>G (p.Ser1867Gly)

Gene: PKHD1 (PKHD1 ciliary IPT domain containing fibrocystin/polyductin; minus strand). Cytogenetic location: 6p12.2.
Variant type: single nucleotide variant.
Coding change: c.5599A>G on transcript NM_138694.4 (MANE Select); coding-DNA position 5599, A replaced by G.
Protein change: p.Ser1867Gly; replaces serine 1867 with glycine.
Molecular consequence: missense variant.
Genome position (GRCh38, 1-based): chr6:52,017,411, T>C on the plus strand (A>G on the coding strand, the complement: PKHD1 is on the minus strand). VCF-style: chr6-52017411-T-C. GRCh37 (hg19) VCF-style: chr6-51882209-T-C.
Other names: c.5599A>G, p.Ser1867Gly (NM_170724.3); short protein forms S1867G.
Identifiers: ClinVar variation 2896457 (VCV002896457.3), dbSNP rs2538212739, ClinGen allele CA364425330.
Genomic context (GRCh38, chr6:52,017,411, plus strand): 5'-CATCGGTCCATTGGCCAAGCATTTGTGGGGAAGTTCAGGGAGGGAGAAGGTAAAGTTACC[T>C]GATAAAGAGGCCCGAGAATGATGGAAACATTGACTCTGCCCAATGATCTGGCACAAAGAG-3'
Protein context (NP_619639.3, residues 1857-1877): MFPSFSGLFI[Ser1867Gly]PKLERDEVLI

ClinVar aggregate classification (germline): Uncertain significance (1 of 4 stars; one submission).

Conditions:
Autosomal recessive polycystic kidney disease (ARPKD). Also called: AR polycystic kidney disease. Identifiers: Orphanet 731, Orphanet 8378, MedGen C0085548, MeSH D017044, MONDO:0009889.

Submission:

Labcorp Genetics (formerly Invitae), Labcorp
Classification: Uncertain significance for Autosomal recessive polycystic kidney disease. Last evaluated: 2023-05-09. Review status: criteria provided, single submitter. Criteria: Invitae Variant Classification Sherloc (09022015). Collection method: clinical testing. Allele origin: germline.
Comment: This variant is not present in population databases (gnomAD no frequency). This sequence change replaces serine, which is neutral and polar, with glycine, which is neutral and non-polar, at codon 1867 of the PKHD1 protein (p.Ser1867Gly). An algorithm developed to predict the effect of missense changes on protein structure and function (PolyPhen-2) suggests that this variant is likely to be disruptive. In summary, the available evidence is currently insufficient to determine the role of this variant in disease. Therefore, it has been classified as a Variant of Uncertain Significance. Algorithms developed to predict the effect of sequence changes on RNA splicing suggest that this variant may disrupt the consensus splice site. This missense change has been observed in individual(s) with autosomal recessive polycystic kidney disease (PMID: 19940839).

Literature cited by the submitters: PubMed 19940839.